The following is an entry in ClinVar:

NM_005560.6(LAMA5):c.1044G>C (p.Ala348=)

Gene: LAMA5 (laminin subunit alpha 5; minus strand). Cytogenetic location: 20q13.33.
Variant type: single nucleotide variant.
Coding change: c.1044G>C on transcript NM_005560.6 (MANE Select); coding-DNA position 1044, G replaced by C.
Protein change: p.Ala348=; no amino-acid change (alanine 348 retained).
Molecular consequence: synonymous variant.
Genome position (GRCh38, 1-based): chr20:62,346,941, C>G on the plus strand (G>C on the coding strand, the complement: LAMA5 is on the minus strand). VCF-style: chr20-62346941-C-G. GRCh37 (hg19) VCF-style: chr20-60921997-C-G.
Identifiers: ClinVar variation 3046918 (VCV003046918.2), dbSNP rs565768327, ClinGen allele CA9944154.

ClinVar aggregate classification (germline): Likely benign (0 of 4 stars; one submission).

Conditions:
LAMA5-related disorder. Also called: LAMA5-Related Disorders; LAMA5-related condition.

Allele frequency attached by ClinVar (database versions not stated): 1000 Genomes Project 30x 0.00016; 1000 Genomes Project 0.00020.
gnomAD v4.1: 23 of 1,612,876 alleles (0.0014%); highest among the groups gnomAD compares: African/African-American, 0.029%; no homozygotes.

Submission:

PreventionGenetics, part of Exact Sciences
Classification: Likely benign for LAMA5-related condition. Last evaluated: 2023-04-05. Review status: no assertion criteria provided. Collection method: clinical testing. Allele origin: germline.
Comment: This variant is classified as likely benign based on ACMG/AMP sequence variant interpretation guidelines (Richards et al. 2015 PMID: 25741868, with internal and published modifications).